The following is an entry in ClinVar:

NM_001042492.3(NF1):c.1394del (p.Ser465fs)

Gene: NF1 (neurofibromin 1; plus strand). Cytogenetic location: 17q11.2.
Variant type: Deletion.
Coding change: c.1394del on transcript NM_001042492.3 (MANE Select); coding-DNA position 1394, one base deleted (G; older notation c.1394delG).
Protein change: p.Ser465fs; shifts the reading frame from serine 465.
Molecular consequence: frameshift variant.
Genome position (GRCh38, 1-based): chr17:31,214,452, G deleted. VCF-style (leftmost placement, unchanged base first): chr17-31214451-AG-A. GRCh37 (hg19) VCF-style: chr17-29541469-AG-A.
Other names: c.1394delG, p.Ser465Ilefs (NM_000267.4); c.1394del, p.Ser465fs (NM_001128147.3); short protein forms S465fs.
Identifiers: ClinVar variation 960954 (VCV000960954.6), dbSNP rs2066785267, ClinGen allele CA1139665326.

ClinVar aggregate classification (germline): Pathogenic (1 of 4 stars; one submission).

Conditions:
Neurofibromatosis, type 1 (NF1). Also called: Peripheral type neurofibromatosis; VON RECKLINGHAUSEN DISEASE; NEUROFIBROMATOSIS, TYPE I, SOMATIC; Neurofibromatosis, type I. Identifiers: Orphanet 636, MedGen C0027831, MONDO:0018975, OMIM 162200. Disease mechanism: loss of function.

Submission:

Labcorp Genetics (formerly Invitae), Labcorp
Classification: Pathogenic for Neurofibromatosis, type 1. Last evaluated: 2019-10-03. Review status: criteria provided, single submitter. Criteria: Invitae Variant Classification Sherloc (09022015). Collection method: clinical testing. Allele origin: germline.
Comment: This sequence change creates a premature translational stop signal (p.Ser465Ilefs*8) in the NF1 gene. It is expected to result in an absent or disrupted protein product. This variant is not present in population databases (ExAC no frequency). This variant has not been reported in the literature in individuals with NF1-related conditions. Loss-of-function variants in NF1 are known to be pathogenic (PMID: 10712197, 23913538). For these reasons, this variant has been classified as Pathogenic.

Literature cited by the submitters: PubMed 10712197; PubMed 23913538.